The following is an entry in ClinVar:

ClinVar aggregate classification (germline): Uncertain significance (1 of 4 stars; one submission).

Conditions:
Cardiovascular phenotype. Identifiers: MedGen CN230736.
Hereditary cancer-predisposing syndrome. Also called: Neoplastic Syndromes, Hereditary; Tumor predisposition; Hereditary neoplastic syndrome; Hereditary Cancer Syndrome. Identifiers: Orphanet 140162, MedGen C0027672, MeSH D009386, MONDO:0015356.

Submission:

Ambry Genetics
Classification: Uncertain significance for Cardiovascular phenotype; Hereditary cancer-predisposing syndrome. Last evaluated: 2026-09-04. Review status: criteria provided, single submitter. Criteria: Ambry Variant Classification Scheme 2023. Collection method: clinical testing. Allele origin: germline.
Comment: The c.2406+5G>C intronic variant results from a G to C substitution 5 nucleotides after coding exon 20 in the LZTR1 gene. This nucleotide position is not well conserved in available vertebrate species. In silico splice site analysis for this alteration is inconclusive. Based on the available evidence, the clinical significance of this variant remains unclear.

NM_006767.4(LZTR1):c.2406+5G>C

Gene: LZTR1 (leucine zipper like post translational regulator 1; plus strand). Cytogenetic location: 22q11.21.
Variant type: single nucleotide variant.
Coding change: c.2406+5G>C on transcript NM_006767.4 (MANE Select); 5 bases into the intron after coding-DNA position 2406, G replaced by C.
Molecular consequence: intron variant.
Genome position (GRCh38, 1-based): chr22:20,996,971, G>C. VCF-style: chr22-20996971-G-C. GRCh37 (hg19) VCF-style: chr22-21351260-G-C.
Identifiers: ClinVar variation 5023806 (VCV005023806.1).
Genomic context (GRCh38, chr22:20,996,971, plus strand): 5'-AGGCACTGGACATGAAGCGGCACTGCCTGCACATCATTGTGCACCAGTTCACCAAGGTCA[G>C]GGCTCTGGCCTCCCCTTCAGGACTCGCTTCCCCTTGGCAGTGGCCATGCCCAGGCAGGGA-3'